The following is an entry in ClinVar:

ClinVar aggregate classification (germline): Uncertain significance. Review status: criteria provided, multiple submitters, no conflicts (2 of 4 stars). 2 submissions from 2 submitters: Uncertain significance (2). Last evaluated 2024-08-27.

Conditions:
Inborn genetic diseases. Identifiers: MedGen C0950123, MeSH D030342.

gnomAD v4.1: 11 of 1,521,392 alleles (0.00072%); highest among the groups gnomAD compares: Middle Eastern, 0.017%; no homozygotes.

Submissions (2):

Ambry Genetics
Classification: Uncertain significance for Inborn genetic diseases. Last evaluated: 2024-08-27. Review status: criteria provided, single submitter. Criteria: Ambry Variant Classification Scheme 2023. Collection method: clinical testing. Allele origin: germline.

GeneDx
Classification: Uncertain significance. Last evaluated: 2022-04-18. Review status: criteria provided, single submitter. Criteria: GeneDx Variant Classification Process June 2021. Collection method: clinical testing. Allele origin: germline. Affected: yes.
Comment: Not observed at significant frequency in large population cohorts (gnomAD); In silico analysis supports that this missense variant does not alter protein structure/function; Has not been previously published as pathogenic or benign to our knowledge

NM_019066.5(MAGEL2):c.1054C>T (p.Pro352Ser)

Gene: MAGEL2 (MAGE family member L2; minus strand). Cytogenetic location: 15q11.2.
Variant type: single nucleotide variant.
Coding change: c.1054C>T on transcript NM_019066.5 (MANE Select); coding-DNA position 1054, C replaced by T.
Protein change: p.Pro352Ser; replaces proline 352 with serine.
Molecular consequence: missense variant.
Genome position (GRCh38, 1-based): chr15:23,646,689, G>A on the plus strand (C>T on the coding strand, the complement: MAGEL2 is on the minus strand). VCF-style: chr15-23646689-G-A. GRCh37 (hg19) VCF-style: chr15-23891836-G-A.
Other names: short protein forms P352S.
Identifiers: ClinVar variation 1678830 (VCV001678830.3), dbSNP rs1045111596, ClinGen allele CA391335272.
Genomic context (GRCh38, chr15:23,646,689, plus strand): 5'-AGGTCGCCTGCCAGCCCGGGGGTGTGGCTAGCTGCGCTGGGGGTGCCTGCGGGCCCTGGG[G>A]AACCTGCGGAGGAGCCCTTATAACTTGAGACTGGATTTGCAGGATCAGAGGCTGAGCCTG-3'
Protein context (NP_061939.3, residues 342-362): SQVIRAPPQV[Pro352Ser]QGPQAPPAQL